The following is an entry in ClinVar:

ClinVar aggregate classification (germline): Benign/Likely benign. Review status: criteria provided, multiple submitters, no conflicts (2 of 4 stars). 2 submissions from 2 submitters: Benign (1); Likely benign (1). Last evaluated 2026-03-31.

Conditions:
NRIP1-related disorder. Also called: NRIP1-related condition.

Allele frequency attached by ClinVar (database versions not stated): ESP Exome Variant Server 0.00100; ExAC 0.00023; gnomAD 0.00068; 1000 Genomes Project 30x 0.00078; 1000 Genomes Project 0.00080; TOPMed 0.00082.

Submissions (2):

PreventionGenetics, part of Exact Sciences
Classification: Likely benign for NRIP1-related condition. Last evaluated: 2026-03-31. Review status: criteria provided, single submitter. Criteria: ACMG Guidelines, 2015. Collection method: clinical testing. Allele origin: germline.
Comment: This variant is classified as likely benign based on ACMG/AMP sequence variant interpretation guidelines (Richards et al. 2015 PMID: 25741868, with internal and published modifications).

Labcorp Genetics (formerly Invitae), Labcorp
Classification: Benign. Last evaluated: 2025-06-12. Review status: criteria provided, single submitter. Criteria: Invitae Variant Classification Sherloc (09022015). Collection method: clinical testing. Allele origin: germline.

NM_003489.4(NRIP1):c.2220A>G (p.Glu740=)

Gene: NRIP1 (nuclear receptor interacting protein 1; minus strand). Cytogenetic location: 21q11.2.
Variant type: single nucleotide variant.
Coding change: c.2220A>G on transcript NM_003489.4 (MANE Select); coding-DNA position 2220, A replaced by G.
Protein change: p.Glu740=; no amino-acid change (glutamic acid 740 retained).
Molecular consequence: synonymous variant.
Genome position (GRCh38, 1-based): chr21:14,965,973, T>C on the plus strand (A>G on the coding strand, the complement: NRIP1 is on the minus strand). VCF-style: chr21-14965973-T-C. GRCh37 (hg19) VCF-style: chr21-16338294-T-C.
Other names: c.2220A>G (NM_003489.3).
Identifiers: ClinVar variation 2764483 (VCV002764483.4), dbSNP rs61750973, ClinGen allele CA9981190.
Genomic context (GRCh38, chr21:14,965,973, plus strand): 5'-ACAAGGCTCAGATTTTATTTTCACCATCAGTATTTGTTCACTTAAAGCTCTCTCTGAGTG[T>C]TCCTGAGTACTTTCATCTCTTAAGGGAGTTTTCTCTTTTTTTTCACTCTTCCCTTTGTTG-3'
Protein context (NP_003480.2, residues 730-750): KTPLRDESTQ[Glu740=]HSERALSEQI